The following is an entry in ClinVar:

ClinVar aggregate classification (germline): Uncertain significance. Review status: criteria provided, single submitter (1 of 4 stars). 2 submissions from 2 submitters: Uncertain significance (1). 1 of the submissions does not count toward it. Last evaluated 2023-11-22.

Conditions:
Frontotemporal dementia and/or amyotrophic lateral sclerosis 6 (FTDALS6). Also called: VCP-Related Amyotrophic Lateral Sclerosis/Frontotemporal Dementia; VCP-Related Amyotrophic Lateral Sclerosis. Identifiers: Orphanet 275872, Orphanet 803, MedGen C5436279, MONDO:0013501, OMIM 613954.
Inclusion body myopathy with Paget disease of bone and frontotemporal dementia. Also called: Inclusion body myopathy with early-onset Paget disease and frontotemporal dementia. Identifiers: Orphanet 52430, MedGen C1833662, MONDO:0000507.
VCP-related disorder. Also called: VCP-related disorders; VCP-related condition.

Submissions (2):

Labcorp Genetics (formerly Invitae), Labcorp
Classification: Uncertain significance for Inclusion body myopathy with Paget disease of bone and frontotemporal dementia; Frontotemporal dementia and/or amyotrophic lateral sclerosis 6. Last evaluated: 2023-11-22. Review status: criteria provided, single submitter. Criteria: Invitae Variant Classification Sherloc (09022015). Collection method: clinical testing. Allele origin: germline.
Comment: This sequence change replaces glutamic acid, which is acidic and polar, with glycine, which is neutral and non-polar, at codon 546 of the VCP protein (p.Glu546Gly). This variant is not present in population databases (gnomAD no frequency). This variant has not been reported in the literature in individuals affected with VCP-related conditions. Advanced modeling of protein sequence and biophysical properties (such as structural, functional, and spatial information, amino acid conservation, physicochemical variation, residue mobility, and thermodynamic stability) performed at Invitae indicates that this missense variant is expected to disrupt VCP protein function with a positive predictive value of 80%. In summary, the available evidence is currently insufficient to determine the role of this variant in disease. Therefore, it has been classified as a Variant of Uncertain Significance.

PreventionGenetics, part of Exact Sciences
Classification: Uncertain significance for VCP-related condition. Last evaluated: 2023-11-16. Review status: no assertion criteria provided. Collection method: clinical testing. Allele origin: germline. Not counted in ClinVar's aggregate classification.
Comment: The VCP c.1637A>G variant is predicted to result in the amino acid substitution p.Glu546Gly. To our knowledge, this variant has not been reported in the literature or in a large population database, indicating this variant is rare. At this time, the clinical significance of this variant is uncertain due to the absence of conclusive functional and genetic evidence.

NM_007126.5(VCP):c.1637A>G (p.Glu546Gly)

Gene: VCP (valosin containing protein; minus strand). Cytogenetic location: 9p13.3.
Variant type: single nucleotide variant.
Coding change: c.1637A>G on transcript NM_007126.5 (MANE Select); coding-DNA position 1637, A replaced by G.
Protein change: p.Glu546Gly; replaces glutamic acid 546 with glycine.
Molecular consequence: missense variant.
Genome position (GRCh38, 1-based): chr9:35,060,371, T>C on the plus strand (A>G on the coding strand, the complement: VCP is on the minus strand). VCF-style: chr9-35060371-T-C. GRCh37 (hg19) VCF-style: chr9-35060368-T-C.
Other names: c.1502A>G, p.Glu501Gly (NM_001354927.2, NM_001354928.2); short protein forms E501G, E546G.
Identifiers: ClinVar variation 2954125 (VCV002954125.4), dbSNP rs2490351430, ClinGen allele CA373279190.